The following is an entry in ClinVar:

NM_020461.4(TUBGCP6):c.4964_4965delinsAG (p.Ser1655Lys)

Gene: TUBGCP6 (tubulin gamma complex component 6; minus strand). Cytogenetic location: 22q13.33.
Variant type: Indel.
Coding change: c.4964_4965delinsAG on transcript NM_020461.4 (MANE Select); coding-DNA positions 4964 to 4965, GC replaced by AG.
Protein change: p.Ser1655Lys; replaces serine 1655 with lysine.
Molecular consequence: missense variant.
Genome position (GRCh38, 1-based): chr22:50,218,392-50,218,393, GC replaced by CT on the plus strand (GC replaced by AG on the coding strand, the reverse complement: TUBGCP6 is on the minus strand). VCF-style: chr22-50218392-GC-CT. GRCh37 (hg19) VCF-style: chr22-50656821-GC-CT.
Other names: short protein forms S1655K.
Identifiers: ClinVar variation 1503355 (VCV001503355.8), dbSNP rs2147171956, ClinGen allele CA2573158244.

ClinVar aggregate classification (germline): Uncertain significance (1 of 4 stars; one submission).

Submission:

Labcorp Genetics (formerly Invitae), Labcorp
Classification: Uncertain significance. Last evaluated: 2023-10-03. Review status: criteria provided, single submitter. Criteria: Invitae Variant Classification Sherloc (09022015). Collection method: clinical testing. Allele origin: germline.
Comment: This sequence change replaces serine, which is neutral and polar, with lysine, which is basic and polar, at codon 1655 of the TUBGCP6 protein (p.Ser1655Lys). Information on the frequency of this variant in the gnomAD database is not available, as this variant may be reported differently in the database. This variant has not been reported in the literature in individuals affected with TUBGCP6-related conditions. ClinVar contains an entry for this variant (Variation ID: 1503355). An algorithm developed to predict the effect of missense changes on protein structure and function (PolyPhen-2) suggests that this variant is likely to be disruptive. In summary, the available evidence is currently insufficient to determine the role of this variant in disease. Therefore, it has been classified as a Variant of Uncertain Significance.